The following is an entry in ClinVar:

NM_052813.5(CARD9):c.1530G>A (p.Lys510=)

Gene: CARD9 (caspase recruitment domain family member 9; minus strand). Cytogenetic location: 9q34.3.
Variant type: single nucleotide variant.
Coding change: c.1530G>A on transcript NM_052813.5 (MANE Select); coding-DNA position 1530, G replaced by A.
Protein change: p.Lys510=; no amino-acid change (lysine 510 retained).
Molecular consequence: synonymous variant. On other transcripts: intron variant (1).
Genome position (GRCh38, 1-based): chr9:136,364,383, C>T on the plus strand (G>A on the coding strand, the complement: CARD9 is on the minus strand). VCF-style: chr9-136364383-C-T. GRCh37 (hg19) VCF-style: chr9-139258835-C-T.
Other names: c.1441+170G>A (NM_052814.4).
Identifiers: ClinVar variation 2889459 (VCV002889459.5), dbSNP rs900948789, ClinGen allele CA201606131.

ClinVar aggregate classification (germline): Likely benign. Review status: criteria provided, single submitter (1 of 4 stars). 2 submissions from 2 submitters: Likely benign (1). 1 of the submissions does not count toward it. Last evaluated 2024-03-23.

Conditions:
CARD9-related disorder. Also called: CARD9-related condition.
Predisposition to invasive fungal disease due to CARD9 deficiency (IMD103). Also called: CARD9 IMMUNODEFICIENCY; Candidiasis, familial, 2, autosomal recessive; IMMUNODEFICIENCY 103, SUSCEPTIBILITY TO FUNGAL INFECTIONS. Identifiers: Orphanet 457088, MedGen C1859353, MONDO:0008905, OMIM 212050.

gnomAD v4.1: 25 of 1,561,912 alleles (0.0016%); highest among the groups gnomAD compares: Non-Finnish European, 0.0019%; no homozygotes.

Submissions (2):

Labcorp Genetics (formerly Invitae), Labcorp
Classification: Likely benign for Predisposition to invasive fungal disease due to CARD9 deficiency. Last evaluated: 2024-03-23. Review status: criteria provided, single submitter. Criteria: Invitae Variant Classification Sherloc (09022015). Collection method: clinical testing. Allele origin: germline.

PreventionGenetics, part of Exact Sciences
Classification: Likely benign for CARD9-related condition. Last evaluated: 2019-05-01. Review status: no assertion criteria provided. Collection method: clinical testing. Allele origin: germline. Not counted in ClinVar's aggregate classification.
Comment: This variant is classified as likely benign based on ACMG/AMP sequence variant interpretation guidelines (Richards et al. 2015 PMID: 25741868, with internal and published modifications).